The following is an entry in ClinVar:

NM_000057.4(BLM):c.2635C>G (p.Leu879Val)

Gene: BLM (BLM RecQ like helicase; plus strand). Cytogenetic location: 15q26.1.
Variant type: single nucleotide variant.
Coding change: c.2635C>G on transcript NM_000057.4 (MANE Select); coding-DNA position 2635, C replaced by G.
Protein change: p.Leu879Val; replaces leucine 879 with valine.
Molecular consequence: missense variant.
Genome position (GRCh38, 1-based): chr15:90,782,901, C>G. VCF-style: chr15-90782901-C-G. GRCh37 (hg19) VCF-style: chr15-91326131-C-G.
Other names: c.2635C>G, p.Leu879Val (NM_001287246.2, NM_001287247.2); c.1510C>G, p.Leu504Val (NM_001287248.2); short protein forms L879V, L504V.
Identifiers: ClinVar variation 577825 (VCV000577825.10), dbSNP rs1461606733, ClinGen allele CA393845766.

ClinVar aggregate classification (germline): Uncertain significance. Review status: criteria provided, multiple submitters, no conflicts (2 of 4 stars). 2 submissions from 2 submitters: Uncertain significance (2). Last evaluated 2025-04-20.

Conditions:
Bloom syndrome (BLM). Also called: Bloom-Torre-Machacek syndrome. Identifiers: Orphanet 125, MedGen C0005859, MONDO:0008876, OMIM 210900.

Allele frequency attached by ClinVar (database versions not stated): gnomAD exomes below 0.00001; TOPMed below 0.00001; gnomAD 0.00001.
gnomAD v4.1: 3 of 1,613,050 alleles (0.00019%); highest among the groups gnomAD compares: Non-Finnish European, 0.00025%; no homozygotes.

Submissions (2):

Labcorp Genetics (formerly Invitae), Labcorp
Classification: Uncertain significance for Bloom syndrome. Last evaluated: 2025-04-20. Review status: criteria provided, single submitter. Criteria: Invitae Variant Classification Sherloc (09022015). Collection method: clinical testing. Allele origin: germline.
Comment: This sequence change replaces leucine, which is neutral and non-polar, with valine, which is neutral and non-polar, at codon 879 of the BLM protein (p.Leu879Val). This variant is not present in population databases (gnomAD no frequency). This variant has not been reported in the literature in individuals affected with BLM-related conditions. ClinVar contains an entry for this variant (Variation ID: 577825). Invitae Evidence Modeling of protein sequence and biophysical properties (such as structural, functional, and spatial information, amino acid conservation, physicochemical variation, residue mobility, and thermodynamic stability) indicates that this missense variant is not expected to disrupt BLM protein function with a negative predictive value of 80%. In summary, the available evidence is currently insufficient to determine the role of this variant in disease. Therefore, it has been classified as a Variant of Uncertain Significance.

Fulgent Genetics
Classification: Uncertain significance for Bloom syndrome. Last evaluated: 2024-06-15. Review status: criteria provided, single submitter. Criteria: ACMG Guidelines, 2015. Collection method: clinical testing. Allele origin: germline.